The following is an entry in ClinVar:

ClinVar aggregate classification (germline): Uncertain significance (1 of 4 stars; one submission).

Conditions:
Fanconi anemia (FA). Also called: Fanconi's anemia. Identifiers: Orphanet 84, MedGen C0015625, MeSH D005199, MONDO:0019391.

Allele frequency attached by ClinVar (database versions not stated): gnomAD exomes below 0.00001.
gnomAD v4.1: 1 of 1,614,054 alleles (0.000062%); highest among the groups gnomAD compares: East Asian, 0.0022%; no homozygotes.

Submission:

Labcorp Genetics (formerly Invitae), Labcorp
Classification: Uncertain significance for Fanconi anemia. Last evaluated: 2021-08-26. Review status: criteria provided, single submitter. Criteria: Invitae Variant Classification Sherloc (09022015). Collection method: clinical testing. Allele origin: germline.
Comment: This sequence change replaces alanine with glutamic acid at codon 188 of the FANCI protein (p.Ala188Glu). The alanine residue is weakly conserved and there is a moderate physicochemical difference between alanine and glutamic acid. This variant is not present in population databases (ExAC no frequency). This variant has not been reported in the literature in individuals affected with FANCI-related conditions. Algorithms developed to predict the effect of missense changes on protein structure and function (SIFT, PolyPhen-2, Align-GVGD) all suggest that this variant is likely to be tolerated. In summary, the available evidence is currently insufficient to determine the role of this variant in disease. Therefore, it has been classified as a Variant of Uncertain Significance.

NM_001113378.2(FANCI):c.563C>A (p.Ala188Glu)

Gene: FANCI (FA complementation group I; plus strand). Cytogenetic location: 15q26.1.
Variant type: single nucleotide variant.
Coding change: c.563C>A on transcript NM_001113378.2 (MANE Select); coding-DNA position 563, C replaced by A.
Protein change: p.Ala188Glu; replaces alanine 188 with glutamic acid.
Molecular consequence: missense variant.
Genome position (GRCh38, 1-based): chr15:89,263,920, C>A. VCF-style: chr15-89263920-C-A. GRCh37 (hg19) VCF-style: chr15-89807151-C-A.
Other names: c.284C>A, p.Ala95Glu (NM_001376910.1); c.563C>A, p.Ala188Glu (NM_001376911.1, NM_018193.3); short protein forms A95E, A188E.
Identifiers: ClinVar variation 1039035 (VCV001039035.6), dbSNP rs2052827709, ClinGen allele CA393738903.
Genomic context (GRCh38, chr15:89,263,920, plus strand): 5'-CAGTTAGACACTGTCTATAGCCTTTAGAATCTTTGATCCACAGGGATGTCCCTCTGACTG[C>A]AGAAGAGGTGGAATTTGTGGTGGAAAAAGCATTGAGCATGTTCTCCAAGATGAATCTTCA-3'
Protein context (NP_001106849.1, residues 178-198): TSMFKDVPLT[Ala188Glu]EEVEFVVEKA